The following is an entry in ClinVar:

ClinVar aggregate classification (germline): Uncertain significance (1 of 4 stars; one submission).

Submission:

Ambry Genetics
Classification: Uncertain significance. Last evaluated: 2023-06-09. Review status: criteria provided, single submitter. Criteria: Ambry Variant Classification Scheme 2023. Collection method: clinical testing. Allele origin: germline.
Comment: The p.R152P variant (also known as c.455G>C), located in coding exon 1 of the EGLN1 gene, results from a G to C substitution at nucleotide position 455. The arginine at codon 152 is replaced by proline, an amino acid with dissimilar properties. This amino acid position is conserved. In addition, this alteration is predicted to be tolerated by in silico analysis. Since supporting evidence is limited at this time, the clinical significance of this alteration remains unclear.

NM_022051.3(EGLN1):c.455G>C (p.Arg152Pro)

Gene: EGLN1 (egl-9 family hypoxia inducible factor 1; minus strand). Cytogenetic location: 1q42.2.
Variant type: single nucleotide variant.
Coding change: c.455G>C on transcript NM_022051.3 (MANE Select); coding-DNA position 455, G replaced by C.
Protein change: p.Arg152Pro; replaces arginine 152 with proline.
Molecular consequence: missense variant.
Genome position (GRCh38, 1-based): chr1:231,421,434, C>G on the plus strand (G>C on the coding strand, the complement: EGLN1 is on the minus strand). VCF-style: chr1-231421434-C-G. GRCh37 (hg19) VCF-style: chr1-231557180-C-G.
Other names: c.455G>C, p.Arg152Pro (NM_001377260.1, NM_001377261.1); short protein forms R152P.
Identifiers: ClinVar variation 2562037 (VCV002562037.2), dbSNP rs757050785, ClinGen allele CA345236913.